The following is an entry in ClinVar:

ClinVar aggregate classification (germline): Conflicting classifications of pathogenicity. Review status: criteria provided, conflicting classifications (1 of 4 stars). 4 submissions from 4 submitters: Uncertain significance (3); Likely benign (1). Last evaluated 2026-08-19.

Conditions:
Joubert syndrome 17 (JBTS17). Identifiers: Orphanet 475, MedGen C3553264, MONDO:0013824, OMIM 614615.

Allele frequency attached by ClinVar (database versions not stated): ESP Exome Variant Server 0.00008; gnomAD exomes 0.00010; gnomAD 0.00015 and 0.00017; 1000 Genomes Project 30x 0.00016; 1000 Genomes Project 0.00020; TOPMed 0.00029.
gnomAD v4.1: 192 of 1,613,930 alleles (0.012%); highest among the groups gnomAD compares: Admixed American, 0.08%; no homozygotes.

Submissions (4):

GeneDx
Classification: Uncertain significance. Last evaluated: 2026-08-19. Review status: criteria provided, single submitter. Criteria: GeneDx Variant Classification Process June 2021. Collection method: clinical testing. Allele origin: germline.
Comment: In silico analysis supports that this missense variant has a deleterious effect on protein structure/function; Has not been previously published as pathogenic or benign to our knowledge

Labcorp Genetics (formerly Invitae), Labcorp
Classification: Likely benign. Last evaluated: 2026-01-28. Review status: criteria provided, single submitter. Criteria: Invitae Variant Classification Sherloc (09022015). Collection method: clinical testing. Allele origin: germline.

Blueprint Genetics
Classification: Uncertain significance. Last evaluated: 2024-08-30. Review status: criteria provided, single submitter. Criteria: ACMG Guidelines, 2015. Collection method: clinical testing. Allele origin: germline.

Illumina Laboratory Services, Illumina
Classification: Uncertain significance for Joubert syndrome 17. Last evaluated: 2018-01-13. Review status: criteria provided, single submitter. Criteria: ICSL Variant Classification Criteria 13 December 2019. Collection method: clinical testing. Allele origin: germline.

NM_001384732.1(CPLANE1):c.4306C>T (p.Pro1436Ser)

Genes: CPLANE1 (ciliogenesis and planar polarity effector complex subunit 1; minus strand), LOC129389274 (MPRA-validated peak5227 silencer; plus strand). Cytogenetic location: 5p13.2.
Variant type: single nucleotide variant.
Coding change: c.4306C>T on transcript NM_001384732.1 (MANE Select); coding-DNA position 4306, C replaced by T.
Protein change: p.Pro1436Ser; replaces proline 1436 with serine.
Molecular consequence: missense variant.
Genome position (GRCh38, 1-based): chr5:37,184,963, G>A on the plus strand (C>T on the coding strand, the complement: CPLANE1 is on the minus strand). VCF-style: chr5-37184963-G-A. GRCh37 (hg19) VCF-style: chr5-37185065-G-A.
Other names: c.4306C>T, p.Pro1436Ser (NM_023073.4); short protein forms P1436S.
Identifiers: ClinVar variation 353453 (VCV000353453.18), dbSNP rs183021118, ClinGen allele CA3238727.